The following is an entry in ClinVar:

NM_006204.4(PDE6C):c.910T>A (p.Tyr304Asn)

Gene: PDE6C (phosphodiesterase 6C; plus strand). Cytogenetic location: 10q23.33.
Variant type: single nucleotide variant.
Coding change: c.910T>A on transcript NM_006204.4 (MANE Select); coding-DNA position 910, T replaced by A.
Protein change: p.Tyr304Asn; replaces tyrosine 304 with asparagine.
Molecular consequence: missense variant.
Genome position (GRCh38, 1-based): chr10:93,625,620, T>A. VCF-style: chr10-93625620-T-A. GRCh37 (hg19) VCF-style: chr10-95385377-T-A.
Other names: short protein forms Y304N.
Identifiers: ClinVar variation 957307 (VCV000957307.9), dbSNP rs2058469600, ClinGen allele CA377630782.

ClinVar aggregate classification (germline): Uncertain significance (1 of 4 stars; one submission).

Submission:

Labcorp Genetics (formerly Invitae), Labcorp
Classification: Uncertain significance. Last evaluated: 2019-10-13. Review status: criteria provided, single submitter. Criteria: Invitae Variant Classification Sherloc (09022015). Collection method: clinical testing. Allele origin: germline.
Comment: In summary, the available evidence is currently insufficient to determine the role of this variant in disease. Therefore, it has been classified as a Variant of Uncertain Significance. Algorithms developed to predict the effect of missense changes on protein structure and function are either unavailable or do not agree on the potential impact of this missense change (SIFT: "Deleterious"; PolyPhen-2: "Possibly Damaging"; Align-GVGD: "Class C0"). This variant has not been reported in the literature in individuals with PDE6C-related conditions. This variant is not present in population databases (ExAC no frequency). This sequence change replaces tyrosine with asparagine at codon 304 of the PDE6C protein (p.Tyr304Asn). The tyrosine residue is highly conserved and there is a large physicochemical difference between tyrosine and asparagine.